The following is an entry in ClinVar:

NM_001377.3(DYNC2H1):c.624_625delinsAA (p.Phe209Ile)

Gene: DYNC2H1 (dynein cytoplasmic 2 heavy chain 1; plus strand). Cytogenetic location: 11q22.3.
Variant type: Indel.
Coding change: c.624_625delinsAA on transcript NM_001377.3 (MANE Select); coding-DNA positions 624 to 625, GT replaced by AA.
Protein change: p.Phe209Ile; replaces phenylalanine 209 with isoleucine.
Molecular consequence: missense variant.
Genome position (GRCh38, 1-based): chr11:103,116,572-103,116,573, GT replaced by AA. VCF-style: chr11-103116572-GT-AA. GRCh37 (hg19) VCF-style: chr11-102987301-GT-AA.
Other names: c.624_625delinsAA, p.Phe209Ile (NM_001080463.2); short protein forms F209I.
Identifiers: ClinVar variation 6509 (VCV000006509.10), dbSNP rs431905498, ClinGen allele CA210511.

ClinVar aggregate classification (germline): Pathogenic/Likely pathogenic. Review status: criteria provided, multiple submitters, no conflicts (2 of 4 stars). 4 submissions from 4 submitters: Pathogenic (1); Likely pathogenic (1). 2 of the submissions do not count toward it. Last evaluated 2025-03-17.

Conditions:
Jeune thoracic dystrophy. Also called: Jeune syndrome; Infantile thoracic dystrophy; Thoracic pelvic phalangeal dystrophy; Jeune's syndrome; Chondroectodermal dysplasia-like syndrome; Short-rib thoracic dysplasia. Identifiers: Orphanet 474, MedGen C0265275, MONDO:0018770.
Asphyxiating thoracic dystrophy 3. Also called: SHORT-RIB THORACIC DYSPLASIA 3 WITH OR WITHOUT POLYDACTYLY; POLYDACTYLY WITH NEONATAL CHONDRODYSTROPHY, TYPE I; SHORT-RIB THORACIC DYSPLASIA 3/6 WITH POLYDACTYLY, DIGENIC; Short rib polydactyly syndrome 2B; Saldino-Noonan Syndrome. Identifiers: Orphanet 474, Orphanet 93269, Orphanet 93270, Orphanet 93271, MedGen C0036069, MONDO:0013127, OMIM 613091.

Submissions (4):

Labcorp Genetics (formerly Invitae), Labcorp
Classification: Pathogenic for Jeune thoracic dystrophy. Last evaluated: 2025-03-17. Review status: criteria provided, single submitter. Criteria: Invitae Variant Classification Sherloc (09022015). Collection method: clinical testing. Allele origin: germline.
Comment: This sequence change replaces phenylalanine, which is neutral and non-polar, with isoleucine, which is neutral and non-polar, at codon 209 of the DYNC2H1 protein (p.Phe209Ile). Information on the frequency of this variant in the gnomAD database is not available, as this variant may be reported differently in the database. This missense change has been observed in individual(s) with asphyxiating thoracic dystrophy and/or short-rib polydactyly syndrome (PMID: 19361615, 29068549). In at least one individual the data is consistent with being in trans (on the opposite chromosome) from a pathogenic variant. ClinVar contains an entry for this variant (Variation ID: 6509). Experimental studies and prediction algorithms are not available or were not evaluated, and the functional significance of this variant is currently unknown. For these reasons, this variant has been classified as Pathogenic.

Fulgent Genetics
Classification: Likely pathogenic for Asphyxiating thoracic dystrophy 3. Last evaluated: 2024-05-30. Review status: criteria provided, single submitter. Criteria: ACMG Guidelines, 2015. Collection method: clinical testing. Allele origin: germline.

OMIM
Classification: Pathogenic for SHORT-RIB THORACIC DYSPLASIA 3 WITH POLYDACTYLY. Last evaluated: 2009-04-01. Review status: no assertion criteria provided. Collection method: literature only. Allele origin: germline. Not counted in ClinVar's aggregate classification.

Rare Disease Group, Clinical Genetics, Karolinska Institutet
Classification: Uncertain significance for Jeune thoracic dystrophy. Last evaluated: 2018-05-01. Review status: flagged submission. Criteria: ACMG Guidelines, 2015. Collection method: research. Allele origin: paternal. Inheritance: Autosomal recessive inheritance. Affected: yes. Not counted in ClinVar's aggregate classification.
ClinVar note: Reason: Older and outlier claim with insufficient supporting evidence

Literature cited by the submitters: PubMed 19361615 (cited by Labcorp Genetics (formerly Invitae), Labcorp and OMIM); PubMed 29068549 (cited by Labcorp Genetics (formerly Invitae), Labcorp).